The following is an entry in ClinVar:

NM_006059.4(LAMC3):c.4477+3A>G

Gene: LAMC3 (laminin subunit gamma 3; plus strand). Cytogenetic location: 9q34.12.
Variant type: single nucleotide variant.
Coding change: c.4477+3A>G on transcript NM_006059.4 (MANE Select); 3 bases into the intron after coding-DNA position 4477, A replaced by G.
Molecular consequence: intron variant.
Genome position (GRCh38, 1-based): chr9:131,087,820, A>G. VCF-style: chr9-131087820-A-G. GRCh37 (hg19) VCF-style: chr9-133963207-A-G.
Identifiers: ClinVar variation 488704 (VCV000488704.12), dbSNP rs202112145, ClinGen allele CA5288186.

ClinVar aggregate classification (germline): Conflicting classifications of pathogenicity. Review status: criteria provided, conflicting classifications (1 of 4 stars). 3 submissions from 3 submitters: Uncertain significance (1); Likely benign (1). 1 of the submissions does not count toward it. Last evaluated 2026-01-26.

Conditions:
LAMC3-related disorder. Also called: LAMC3-related condition.

Allele frequency attached by ClinVar (database versions not stated): gnomAD 0.00003 and 0.00009; TOPMed 0.00005; gnomAD exomes 0.00006 and 0.00019; ExAC 0.00014; 1000 Genomes Project 0.00080; 1000 Genomes Project 30x 0.00094.
gnomAD v4.1: 104 of 1,613,410 alleles (0.0064%); highest among the groups gnomAD compares: East Asian, 0.22%; 2 homozygotes.

Submissions (3):

Labcorp Genetics (formerly Invitae), Labcorp
Classification: Likely benign. Last evaluated: 2026-01-26. Review status: criteria provided, single submitter. Criteria: Invitae Variant Classification Sherloc (09022015). Collection method: clinical testing. Allele origin: germline.

GeneDx
Classification: Uncertain significance. Last evaluated: 2017-12-21. Review status: criteria provided, single submitter. Criteria: GeneDx Variant Classification (06012015). Collection method: clinical testing. Allele origin: germline. Affected: yes.
Comment: The c.4477+3 A>G variant has not been published as a pathogenic variant, nor has it been reported as a benign variant to our knowledge. The c.4477+3 A>G variant is observed in 47/18,844 (0.2%) alleles from individuals of East Asian background, which is greater than expected for this disorder (Lek et al., 2016). Several in silico splice prediction models predict that c.4477+3 A>G may damage the natural donor site and lead to abnormal gene splicing. However, in the absence of RNA/functional studies, the actual effect of this sequence change in this individual is unknown. Therefore, based on the currently available information, it is unclear whether this variant is a pathogenic variant or a rare benign variant.

PreventionGenetics, part of Exact Sciences
Classification: Likely benign for LAMC3-related condition. Last evaluated: 2020-07-20. Review status: no assertion criteria provided. Collection method: clinical testing. Allele origin: germline. Not counted in ClinVar's aggregate classification.
Comment: This variant is classified as likely benign based on ACMG/AMP sequence variant interpretation guidelines (Richards et al. 2015 PMID: 25741868, with internal and published modifications).